The following is an entry in ClinVar:

ClinVar aggregate classification (germline): Likely pathogenic (1 of 4 stars; one submission).

Conditions:
Dystonia 30. Identifiers: MedGen C5543312, MONDO:0025691, OMIM 619291.

Submission:

Institute of Human Genetics, University of Leipzig Medical Center
Classification: Likely pathogenic for Dystonia 30. Last evaluated: 2025-09-22. Review status: criteria provided, single submitter. Criteria: ACMG Guidelines, 2015. Collection method: clinical testing. Allele origin: unknown. Inheritance: Autosomal dominant inheritance. Affected: yes.
Comment: Criteria applied: PVS1,PM2_SUP

NM_022575.4(VPS16):c.1513C>T (p.Arg505Ter)

Gene: VPS16 (VPS16 core subunit of CORVET and HOPS complexes; plus strand). Cytogenetic location: 20p13.
Variant type: single nucleotide variant.
Coding change: c.1513C>T on transcript NM_022575.4 (MANE Select); coding-DNA position 1513, C replaced by T.
Protein change: p.Arg505Ter; replaces arginine 505 with a stop codon.
Molecular consequence: nonsense.
Genome position (GRCh38, 1-based): chr20:2,863,985, C>T. VCF-style: chr20-2863985-C-T. GRCh37 (hg19) VCF-style: chr20-2844631-C-T.
Other names: c.1081C>T, p.Arg361Ter (NM_080413.3); short protein forms R361*, R505*.
Identifiers: ClinVar variation 4291133 (VCV004291133.1).